The following is an entry in ClinVar:

ClinVar aggregate classification (germline): Conflicting classifications of pathogenicity. Review status: criteria provided, conflicting classifications (1 of 4 stars). 4 submissions from 3 submitters: Uncertain significance (3); Benign (1). Last evaluated 2025-12-28.

Conditions:
Cardiovascular phenotype. Identifiers: MedGen CN230736.
Hereditary cancer-predisposing syndrome. Also called: Hereditary Cancer Syndrome; Neoplastic Syndromes, Hereditary; Tumor predisposition; Hereditary neoplastic syndrome. Identifiers: Orphanet 140162, MedGen C0027672, MeSH D009386, MONDO:0015356.
Neurofibromatosis, type 1 (NF1). Also called: Neurofibromatosis, type I; VON RECKLINGHAUSEN DISEASE; NEUROFIBROMATOSIS, TYPE I, SOMATIC; Peripheral type neurofibromatosis. Identifiers: Orphanet 636, MedGen C0027831, MONDO:0018975, OMIM 162200. Disease mechanism: loss of function.

Allele frequency attached by ClinVar (database versions not stated): gnomAD 0.00001; TOPMed 0.00001.
gnomAD v4.1: 1 of 1,613,840 alleles (0.000062%); highest among the groups gnomAD compares: Non-Finnish European, 0.000085%; no homozygotes.

Submissions (4):

Labcorp Genetics (formerly Invitae), Labcorp
Classification: Benign for Neurofibromatosis, type 1. Last evaluated: 2025-12-28. Review status: criteria provided, single submitter. Criteria: Invitae Variant Classification Sherloc (09022015). Collection method: clinical testing. Allele origin: germline.

Ambry Genetics
Classification: Uncertain significance for Cardiovascular phenotype; Hereditary cancer-predisposing syndrome. Last evaluated: 2022-05-04. Review status: criteria provided, single submitter. Criteria: Ambry Variant Classification Scheme 2023. Collection method: clinical testing. Allele origin: germline.

Genome-Nilou Lab
Classification: Uncertain significance for Neurofibromatosis, type 1. Last evaluated: 2022-03-15. Review status: criteria provided, single submitter. Criteria: ACMG Guidelines, 2015. Collection method: clinical testing. Allele origin: germline. Affected: no.

Ambry Genetics
Classification: Uncertain significance for Hereditary cancer-predisposing syndrome. Last evaluated: 2016-02-16. Review status: criteria provided, single submitter. Criteria: Ambry Autosomal Dominant and X-Linked criteria (10/2015). Collection method: clinical testing. Allele origin: germline. Observed: 1 variant allele.
Comment: The p.S2694P variant (also known as c.8080T>C), located in coding exon 55 of the NF1 gene, results from a T to C substitution at nucleotide position 8080. The serine at codon 2694 is replaced by proline, an amino acid with similar properties. This variant was not reported in population based cohorts in the following databases: Database of Single Nucleotide Polymorphisms (dbSNP), NHLBI Exome Sequencing Project (ESP), and 1000 Genomes Project. In the ESP, this variant was not observed in 6503 samples (13006 alleles) with coverage at this position. To date, this alteration has been detected with an allele frequency of approximately 0.002% (greater than 110000 alleles tested) in our clinical cohort. This amino acid position is well conserved in available vertebrate species. In addition, this alteration is predicted to be tolerated by in silico analysis. Since supporting evidence is limited at this time, the clinical significance of p.S2694P remains unclear.

NM_001042492.3(NF1):c.8080T>C (p.Ser2694Pro)

Gene: NF1 (neurofibromin 1; plus strand). Cytogenetic location: 17q11.2.
Variant type: single nucleotide variant.
Coding change: c.8080T>C on transcript NM_001042492.3 (MANE Select); coding-DNA position 8080, T replaced by C.
Protein change: p.Ser2694Pro; replaces serine 2694 with proline.
Molecular consequence: missense variant.
Genome position (GRCh38, 1-based): chr17:31,358,589, T>C. VCF-style: chr17-31358589-T-C. GRCh37 (hg19) VCF-style: chr17-29685607-T-C.
Other names: c.8017T>C, p.Ser2673Pro (NM_000267.4); short protein forms S2673P, S2694P.
Identifiers: ClinVar variation 230419 (VCV000230419.14), dbSNP rs876658554, ClinGen allele CA10580431.
Genomic context (GRCh38, chr17:31,358,589, plus strand): 5'-GATCCAAATTTGTTAAATCCAATCCATGGAATTGTGCAGAGTGTGGTGTACCATGAAGAA[T>C]CCCCACCACAATACCAAACATCTTACCTGCAAAGTAAATAAATGTATCTGGAGAAGGATG-3'
Protein context (NP_001035957.1, residues 2684-2704): IVQSVVYHEE[Ser2694Pro]PPQYQTSYLQ